The following is an entry in ClinVar:

ClinVar aggregate classification (germline): Likely benign. Review status: criteria provided, multiple submitters, no conflicts (2 of 4 stars). 2 submissions from 2 submitters: Likely benign (2). Last evaluated 2024-11-18.

Allele frequency attached by ClinVar (database versions not stated): TOPMed 0.00003.

Submissions (2):

Blueprint Genetics
Classification: Likely benign. Last evaluated: 2024-11-18. Review status: criteria provided, single submitter. Criteria: ACMG Guidelines, 2015. Collection method: clinical testing. Allele origin: germline.

GeneDx
Classification: Likely benign. Last evaluated: 2016-02-11. Review status: criteria provided, single submitter. Criteria: GeneDx Variant Classification (06012015). Collection method: clinical testing. Allele origin: germline. Affected: yes.
Comment: This variant is considered likely benign or benign based on one or more of the following criteria: it is a conservative change, it occurs at a poorly conserved position in the protein, it is predicted to be benign by multiple in silico algorithms, and/or has population frequency not consistent with disease.

NM_000152.5(GAA):c.-32-4G>A

Gene: GAA (alpha glucosidase; plus strand). Cytogenetic location: 17q25.3.
Variant type: single nucleotide variant.
Coding change: c.-32-4G>A on transcript NM_000152.5 (MANE Select); 4 bases into the intron before 32 bases upstream of the start codon, G replaced by A.
Molecular consequence: intron variant.
Genome position (GRCh38, 1-based): chr17:80,104,551, G>A. VCF-style: chr17-80104551-G-A. GRCh37 (hg19) VCF-style: chr17-78078350-G-A.
Other names: c.-32-4G>A (LRG_673t1, NM_001079803.3, NM_001079804.3).
Identifiers: ClinVar variation 382800 (VCV000382800.2), dbSNP rs760925777, ClinGen allele CA8814746.